The following is an entry in ClinVar:

NM_000069.3(CACNA1S):c.1777C>T (p.Arg593Trp)

Gene: CACNA1S (calcium voltage-gated channel subunit alpha1 S; minus strand). Cytogenetic location: 1q32.1.
Variant type: single nucleotide variant.
Coding change: c.1777C>T on transcript NM_000069.3 (MANE Select); coding-DNA position 1777, C replaced by T.
Protein change: p.Arg593Trp; replaces arginine 593 with tryptophan.
Molecular consequence: missense variant.
Genome position (GRCh38, 1-based): chr1:201,076,970, G>A on the plus strand (C>T on the coding strand, the complement: CACNA1S is on the minus strand). VCF-style: chr1-201076970-G-A. GRCh37 (hg19) VCF-style: chr1-201046098-G-A.
Other names: short protein forms R593W.
Identifiers: ClinVar variation 577128 (VCV000577128.11), dbSNP rs138541733, ClinGen allele CA078557.

ClinVar aggregate classification (germline): Conflicting classifications of pathogenicity. Review status: criteria provided, conflicting classifications (1 of 4 stars). 5 submissions from 5 submitters: Uncertain significance (4); Likely benign (1). Last evaluated 2026-02-04.

Conditions:
Hypokalemic periodic paralysis, type 1. Also called: Hypokalemic Periodic Paralysis Type 1 (AD); HypoPP. Identifiers: Orphanet 681, MedGen C3714580, MONDO:0042979, OMIM 170400.
Malignant hyperthermia, susceptibility to, 5 (MHS5). Also called: CACNA1S-Related Malignant Hyperthermia Susceptibility. Identifiers: Orphanet 423, MedGen C1866077, MONDO:0011163, OMIM 601887.
Thyrotoxic periodic paralysis, susceptibility to, 1 (TTPP1). Identifiers: Orphanet 79102, MedGen C2749982, MONDO:0008570, OMIM 188580.

Allele frequency attached by ClinVar (database versions not stated): TOPMed 0.00007; ESP Exome Variant Server 0.00008; gnomAD 0.00016.
gnomAD v4.1: 125 of 1,614,090 alleles (0.0077%); highest among the groups gnomAD compares: Non-Finnish European, 0.01%; no homozygotes.

Submissions (5):

Labcorp Genetics (formerly Invitae), Labcorp
Classification: Likely benign for Hypokalemic periodic paralysis, type 1; Malignant hyperthermia, susceptibility to, 5. Last evaluated: 2026-02-04. Review status: criteria provided, single submitter. Criteria: Invitae Variant Classification Sherloc (09022015). Collection method: clinical testing. Allele origin: germline.

GeneDx
Classification: Uncertain significance. Last evaluated: 2025-01-10. Review status: criteria provided, single submitter. Criteria: GeneDx Variant Classification Process June 2021. Collection method: clinical testing. Allele origin: germline. Affected: yes.
Comment: In silico analysis supports that this missense variant has a deleterious effect on protein structure/function; Has not been previously published as pathogenic or benign to our knowledge

Color Diagnostics, LLC DBA Color Health
Classification: Uncertain significance for Malignant hyperthermia, susceptibility to, 5. Last evaluated: 2024-04-09. Review status: criteria provided, single submitter. Criteria: ACMG Guidelines, 2015. Collection method: clinical testing. Allele origin: germline.
Comment: This missense variant replaces arginine with tryptophan at codon 593 of the CACNA1S protein. Computational prediction is inconclusive regarding the impact of this variant on protein structure and function. To our knowledge, functional studies have not been reported for this variant. This variant has not been reported in individuals affected with CACNA1S-related disorders in the literature. This variant has been identified in 16/282896 chromosomes in the general population by the Genome Aggregation Database (gnomAD). The available evidence is insufficient to determine the role of this variant in disease conclusively. Therefore, this variant is classified as a Variant of Uncertain Significance.

Fulgent Genetics
Classification: Uncertain significance for Hypokalemic periodic paralysis, type 1; Thyrotoxic periodic paralysis, susceptibility to, 1; Malignant hyperthermia, susceptibility to, 5. Last evaluated: 2022-01-13. Review status: criteria provided, single submitter. Criteria: ACMG Guidelines, 2015. Collection method: clinical testing. Allele origin: unknown.

Institute of Human Genetics, University of Leipzig Medical Center
Classification: Uncertain significance for Hypokalemic periodic paralysis, type 1. Last evaluated: 2019-01-01. Review status: criteria provided, single submitter. Criteria: ACMG Guidelines, 2015. Collection method: clinical testing. Allele origin: unknown. Affected: yes.